The following is an entry in ClinVar:

ClinVar aggregate classification (germline): Uncertain significance (1 of 4 stars; one submission).

Allele frequency attached by ClinVar (database versions not stated): ExAC 0.00001.
gnomAD v4.1: 1 of 1,613,532 alleles (0.000062%); highest among the groups gnomAD compares: Non-Finnish European, 0.000085%; no homozygotes.

Submission:

CeGaT Center for Human Genetics Tuebingen
Classification: Uncertain significance. Last evaluated: 2023-07-01. Review status: criteria provided, single submitter. Criteria: CeGaT Center For Human Genetics Tuebingen Variant Classification Criteria Version 2. Collection method: clinical testing. Allele origin: germline. Affected: yes. Observed: 2 variant alleles.
Comment: CPS1: PM2, PP3, PP4

NM_001875.5(CPS1):c.3373C>A (p.Pro1125Thr)

Gene: CPS1 (carbamoyl-phosphate synthase 1; plus strand). Cytogenetic location: 2q34.
Variant type: single nucleotide variant.
Coding change: c.3373C>A on transcript NM_001875.5 (MANE Select); coding-DNA position 3373, C replaced by A.
Protein change: p.Pro1125Thr; replaces proline 1125 with threonine.
Molecular consequence: missense variant. On other transcripts: non-coding transcript variant (2).
Genome position (GRCh38, 1-based): chr2:210,648,509, C>A. VCF-style: chr2-210648509-C-A. GRCh37 (hg19) VCF-style: chr2-211513233-C-A.
Other names: c.3373C>A, p.Pro1125Thr (NM_001122633.3, NM_001369257.1); c.3406C>A, p.Pro1136Thr (NM_001369256.1); short protein forms P1125T, P1136T.
Identifiers: ClinVar variation 2498862 (VCV002498862.28), dbSNP rs775394296, ClinGen allele CA2086909.